The following is an entry in ClinVar:

NM_012123.4(MTO1):c.1526C>A (p.Ser509Tyr)

Gene: MTO1 (mitochondrial tRNA translation optimization 1; plus strand). Cytogenetic location: 6q13.
Variant type: single nucleotide variant.
Coding change: c.1526C>A on transcript NM_012123.4 (MANE Select); coding-DNA position 1526, C replaced by A.
Protein change: p.Ser509Tyr; replaces serine 509 with tyrosine.
Molecular consequence: missense variant.
Genome position (GRCh38, 1-based): chr6:73,482,509, C>A. VCF-style: chr6-73482509-C-A. GRCh37 (hg19) VCF-style: chr6-74192232-C-A.
Other names: c.1646C>A, p.Ser549Tyr (NM_001123226.2); c.1601C>A, p.Ser534Tyr (NM_133645.3); short protein forms S509Y, S534Y, S549Y.
Identifiers: ClinVar variation 2661995 (VCV002661995.1), dbSNP rs1771535247, ClinGen allele CA364717451.

ClinVar aggregate classification (germline): Uncertain significance (1 of 4 stars; one submission).

Submission:

GeneDx
Classification: Uncertain significance. Last evaluated: 2023-04-14. Review status: criteria provided, single submitter. Criteria: GeneDx Variant Classification Process June 2021. Collection method: clinical testing. Allele origin: germline. Affected: yes.
Comment: Not observed at significant frequency in large population cohorts (gnomAD); In silico analysis supports that this missense variant has a deleterious effect on protein structure/function; Has not been previously published as pathogenic or benign to our knowledge